The following is an entry in ClinVar:

NM_001130009.3(GEN1):c.1565T>A (p.Ile522Asn)

Gene: GEN1 (GEN1 structure-specific endonuclease; plus strand). Cytogenetic location: 2p24.2.
Variant type: single nucleotide variant.
Coding change: c.1565T>A on transcript NM_001130009.3 (MANE Select); coding-DNA position 1565, T replaced by A.
Protein change: p.Ile522Asn; replaces isoleucine 522 with asparagine.
Molecular consequence: missense variant.
Genome position (GRCh38, 1-based): chr2:17,780,777, T>A. VCF-style: chr2-17780777-T-A. GRCh37 (hg19) VCF-style: chr2-17962044-T-A.
Other names: c.1565T>A, p.Ile522Asn (NM_182625.5); short protein forms I522N.
Identifiers: ClinVar variation 1057289 (VCV001057289.9), dbSNP rs2125177603, ClinGen allele CA345926138.

ClinVar aggregate classification (germline): Uncertain significance (1 of 4 stars; one submission).

Submission:

Labcorp Genetics (formerly Invitae), Labcorp
Classification: Uncertain significance. Last evaluated: 2020-08-05. Review status: criteria provided, single submitter. Criteria: Invitae Variant Classification Sherloc (09022015). Collection method: clinical testing. Allele origin: germline.
Comment: In summary, the available evidence is currently insufficient to determine the role of this variant in disease. Therefore, it has been classified as a Variant of Uncertain Significance. Algorithms developed to predict the effect of missense changes on protein structure and function (SIFT, PolyPhen-2, Align-GVGD) all suggest that this variant is likely to be tolerated, but these predictions have not been confirmed by published functional studies and their clinical significance is uncertain. This variant has not been reported in the literature in individuals with GEN1-related conditions. This variant is not present in population databases (ExAC no frequency). This sequence change replaces isoleucine with asparagine at codon 522 of the GEN1 protein (p.Ile522Asn). The isoleucine residue is weakly conserved and there is a large physicochemical difference between isoleucine and asparagine.